The following is an entry in ClinVar:

NM_000465.4(BARD1):c.2122A>G (p.Lys708Glu)

Gene: BARD1 (BRCA1 associated RING domain 1; minus strand). Cytogenetic location: 2q35.
Variant type: single nucleotide variant.
Coding change: c.2122A>G on transcript NM_000465.4 (MANE Select); coding-DNA position 2122, A replaced by G.
Protein change: p.Lys708Glu; replaces lysine 708 with glutamic acid.
Molecular consequence: missense variant. On other transcripts: non-coding transcript variant (3).
Genome position (GRCh38, 1-based): chr2:214,728,888, T>C on the plus strand (A>G on the coding strand, the complement: BARD1 is on the minus strand). VCF-style: chr2-214728888-T-C. GRCh37 (hg19) VCF-style: chr2-215593612-T-C.
Other names: c.2065A>G, p.Lys689Glu (NM_001282543.2); c.769A>G, p.Lys257Glu (NM_001282545.2); c.712A>G, p.Lys238Glu (NM_001282548.2); c.583A>G, p.Lys195Glu (NM_001282549.2); short protein forms K708E, K195E, K689E, K238E, K257E.
Identifiers: ClinVar variation 4621808 (VCV004621808.1).

ClinVar aggregate classification (germline): Uncertain significance (1 of 4 stars; one submission).

Conditions:
Hereditary cancer-predisposing syndrome. Also called: Neoplastic Syndromes, Hereditary; Tumor predisposition; Hereditary Cancer Syndrome; Hereditary neoplastic syndrome. Identifiers: Orphanet 140162, MedGen C0027672, MeSH D009386, MONDO:0015356.

Submission:

Ambry Genetics
Classification: Uncertain significance for Hereditary cancer-predisposing syndrome. Last evaluated: 2025-11-16. Review status: criteria provided, single submitter. Criteria: Ambry Variant Classification Scheme 2023. Collection method: clinical testing. Allele origin: germline.
Comment: The p.K708E variant (also known as c.2122A>G), located in coding exon 11 of the BARD1 gene, results from an A to G substitution at nucleotide position 2122. The lysine at codon 708 is replaced by glutamic acid, an amino acid with similar properties. This amino acid position is conserved. In addition, the in silico prediction for this alteration is inconclusive. Based on the available evidence, the clinical significance of this variant remains unclear.